The following is an entry in ClinVar:

ClinVar aggregate classification (germline): Likely benign. Review status: criteria provided, multiple submitters, no conflicts (2 of 4 stars). 2 submissions from 2 submitters: Likely benign (2). Last evaluated 2018-06-19.

Allele frequency attached by ClinVar (database versions not stated): gnomAD 0.01989 and 0.02128; TOPMed 0.02335; gnomAD exomes 0.02355; 1000 Genomes Project 30x 0.04029; 1000 Genomes Project 0.04253.
gnomAD v4.1: 26,569 of 1,134,234 alleles (2.3%); highest among the groups gnomAD compares: East Asian, 11%; 630 homozygotes.

Submissions (2):

GeneDx
Classification: Likely benign. Last evaluated: 2018-06-19. Review status: criteria provided, single submitter. Criteria: GeneDx Variant Classification (06012015). Collection method: clinical testing. Allele origin: germline. Affected: yes.
Comment: This variant is considered likely benign or benign based on one or more of the following criteria: it is a conservative change, it occurs at a poorly conserved position in the protein, it is predicted to be benign by multiple in silico algorithms, and/or has population frequency not consistent with disease.

Breakthrough Genomics
Classification: Likely benign. Review status: criteria provided, single submitter. Criteria: ACMG Guidelines, 2015. Collection method: not provided. Allele origin: germline. Inheritance: Autosomal dominant inheritance. Affected: yes.

NM_000138.5(FBN1):c.6163+130C>T

Gene: FBN1 (fibrillin 1; minus strand). Cytogenetic location: 15q21.1.
Variant type: single nucleotide variant.
Coding change: c.6163+130C>T on transcript NM_000138.5 (MANE Select); 130 bases into the intron after coding-DNA position 6163, C replaced by T.
Molecular consequence: intron variant.
Genome position (GRCh38, 1-based): chr15:48,441,591, G>A on the plus strand (C>T on the coding strand, the complement: FBN1 is on the minus strand). VCF-style: chr15-48441591-G-A. GRCh37 (hg19) VCF-style: chr15-48733788-G-A.
Identifiers: ClinVar variation 674512 (VCV000674512.2), dbSNP rs2278187, ClinGen allele CA15848773.